The following is an entry in ClinVar:

ClinVar aggregate classification (germline): Likely benign. Review status: criteria provided, multiple submitters, no conflicts (2 of 4 stars). 3 submissions from 3 submitters: Likely benign (3). Last evaluated 2026-01-19.

Allele frequency attached by ClinVar (database versions not stated): gnomAD exomes 0.00036 and 0.00262; ExAC 0.00153; gnomAD 0.00761 and 0.00851; 1000 Genomes Project 0.26797.
gnomAD v4.1: 219 of 71,800 alleles (0.31%); highest among the groups gnomAD compares: African/African-American, 0.1%; 2 homozygotes.

Submissions (3):

Labcorp Genetics (formerly Invitae), Labcorp
Classification: Likely benign. Last evaluated: 2026-01-19. Review status: criteria provided, single submitter. Criteria: Invitae Variant Classification Sherloc (09022015). Collection method: clinical testing. Allele origin: germline.

Laboratory for Molecular Medicine, Mass General Brigham Personalized Medicine
Classification: Likely benign. Last evaluated: 2016-03-29. Review status: criteria provided, single submitter. Criteria: LMM Criteria. Collection method: clinical testing. Allele origin: germline.
Comment: Variant identified in a genome or exome case(s) and assessed due to predicted null impact of the variant or pathogenic assertions in the literature or databases. Disclaimer: This variant has not undergone full assessment. The following are preliminary notes: No change to splice consensus

Breakthrough Genomics
Classification: Likely benign. Review status: criteria provided, single submitter. Criteria: ACMG Guidelines, 2015. Collection method: not provided. Allele origin: germline. Inheritance: Autosomal dominant inheritance. Affected: yes.

NM_007214.5(SEC63):c.340-9T>C

Gene: SEC63 (SEC63 protein translocation regulator; minus strand). Cytogenetic location: 6q21.
Variant type: single nucleotide variant.
Coding change: c.340-9T>C on transcript NM_007214.5 (MANE Select); 9 bases into the intron before coding-DNA position 340, T replaced by C.
Molecular consequence: intron variant.
Genome position (GRCh38, 1-based): chr6:107,921,918, A>G on the plus strand (T>C on the coding strand, the complement: SEC63 is on the minus strand). VCF-style: chr6-107921918-A-G. GRCh37 (hg19) VCF-style: chr6-108243122-A-G.
Identifiers: ClinVar variation 403427 (VCV000403427.12), dbSNP rs1569555, ClinGen allele CA3947747.